The following is an entry in ClinVar:

NM_000057.4(BLM):c.3185C>A (p.Ser1062Tyr)

Gene: BLM (BLM RecQ like helicase; plus strand). Cytogenetic location: 15q26.1.
Variant type: single nucleotide variant.
Coding change: c.3185C>A on transcript NM_000057.4 (MANE Select); coding-DNA position 3185, C replaced by A.
Protein change: p.Ser1062Tyr; replaces serine 1062 with tyrosine.
Molecular consequence: missense variant.
Genome position (GRCh38, 1-based): chr15:90,794,332, C>A. VCF-style: chr15-90794332-C-A. GRCh37 (hg19) VCF-style: chr15-91337562-C-A.
Other names: c.3185C>A, p.Ser1062Tyr (NM_001287246.2, NM_001287247.2); c.2060C>A, p.Ser687Tyr (NM_001287248.2); short protein forms S1062Y, S687Y.
Identifiers: ClinVar variation 3627754 (VCV003627754.2).

ClinVar aggregate classification (germline): Uncertain significance (1 of 4 stars; one submission).

Conditions:
Bloom syndrome (BLM). Also called: Bloom-Torre-Machacek syndrome. Identifiers: Orphanet 125, MedGen C0005859, MONDO:0008876, OMIM 210900.

Submission:

Labcorp Genetics (formerly Invitae), Labcorp
Classification: Uncertain significance for Bloom syndrome. Last evaluated: 2024-09-09. Review status: criteria provided, single submitter. Criteria: Invitae Variant Classification Sherloc (09022015). Collection method: clinical testing. Allele origin: germline.
Comment: This sequence change replaces serine, which is neutral and polar, with tyrosine, which is neutral and polar, at codon 1062 of the BLM protein (p.Ser1062Tyr). This variant is not present in population databases (gnomAD no frequency). This variant has not been reported in the literature in individuals affected with BLM-related conditions. Invitae Evidence Modeling of protein sequence and biophysical properties (such as structural, functional, and spatial information, amino acid conservation, physicochemical variation, residue mobility, and thermodynamic stability) indicates that this missense variant is not expected to disrupt BLM protein function with a negative predictive value of 80%. In summary, the available evidence is currently insufficient to determine the role of this variant in disease. Therefore, it has been classified as a Variant of Uncertain Significance.